The following is an entry in ClinVar:

NM_001308093.3(GATA4):c.609C>T (p.Pro203=)

Gene: GATA4 (GATA binding protein 4). Cytogenetic location: 8p23.1.
Variant type: single nucleotide variant.
Coding change: c.609C>T on transcript NM_001308093.3 (MANE Select); coding-DNA position 609, C replaced by T.
Protein change: p.Pro203=; no amino-acid change (proline 203 retained).
Molecular consequence: synonymous variant. On other transcripts: intron variant (3).
Genome position (GRCh38, 1-based): chr8:11,708,921, C>T. VCF-style: chr8-11708921-C-T. GRCh37 (hg19) VCF-style: chr8-11566430-C-T.
Other names: c.609C>T, p.Pro203= (NM_002052.5); c.-6+8143C>T (NM_001308094.2); c.-3+907C>T (NM_001374274.1); c.-3+4617C>T (NM_001374273.1).
Identifiers: ClinVar variation 1088730 (VCV001088730.34), dbSNP rs1210009123, ClinGen allele CA459308185.

ClinVar aggregate classification (germline): Likely benign. Review status: criteria provided, multiple submitters, no conflicts (2 of 4 stars). 3 submissions from 3 submitters: Likely benign (3). Last evaluated 2025-12-13.

Conditions:
Cardiovascular phenotype. Identifiers: MedGen CN230736.
Atrioventricular septal defect 4 (AVSD4). Identifiers: MedGen C3280781, MONDO:0013747, OMIM 614430.

Allele frequency attached by ClinVar (database versions not stated): gnomAD exomes 0.00004 and 0.00005; TOPMed 0.00005; gnomAD 0.00006.
gnomAD v4.1: 65 of 1,527,084 alleles (0.0043%); highest among the groups gnomAD compares: Non-Finnish European, 0.0051%; no homozygotes.

Submissions (3):

Labcorp Genetics (formerly Invitae), Labcorp
Classification: Likely benign for Atrioventricular septal defect 4. Last evaluated: 2025-12-13. Review status: criteria provided, single submitter. Criteria: Invitae Variant Classification Sherloc (09022015). Collection method: clinical testing. Allele origin: germline.

Ambry Genetics
Classification: Likely benign for Cardiovascular phenotype. Last evaluated: 2022-09-28. Review status: criteria provided, single submitter. Criteria: Ambry Variant Classification Scheme 2023. Collection method: clinical testing. Allele origin: germline.

CeGaT Center for Human Genetics Tuebingen
Classification: Likely benign. Last evaluated: 2022-05-01. Review status: criteria provided, single submitter. Criteria: CeGaT Center For Human Genetics Tuebingen Variant Classification Criteria Version 2. Collection method: clinical testing. Allele origin: germline. Affected: yes. Observed: 1 variant allele.
Comment: GATA4: BP4, BP7